The following is an entry in ClinVar:

ClinVar aggregate classification (germline): Uncertain significance (1 of 4 stars; one submission).

Conditions:
Familial melanoma. Also called: Hereditary melanoma; Hereditary cutaneous melanoma. Identifiers: Orphanet 618, MedGen C1512419, MONDO:0018961.

Submission:

Labcorp Genetics (formerly Invitae), Labcorp
Classification: Uncertain significance for Familial melanoma. Last evaluated: 2022-09-01. Review status: criteria provided, single submitter. Criteria: Invitae Variant Classification Sherloc (09022015). Collection method: clinical testing. Allele origin: germline.
Comment: This variant has not been reported in the literature in individuals affected with CDK4-related conditions. ClinVar contains an entry for this variant (Variation ID: 1026483). Advanced modeling of protein sequence and biophysical properties (such as structural, functional, and spatial information, amino acid conservation, physicochemical variation, residue mobility, and thermodynamic stability) performed at Invitae indicates that this missense variant is not expected to disrupt CDK4 protein function. Algorithms developed to predict the effect of sequence changes on RNA splicing suggest that this variant may create or strengthen a splice site. In summary, the available evidence is currently insufficient to determine the role of this variant in disease. Therefore, it has been classified as a Variant of Uncertain Significance. This variant is not present in population databases (gnomAD no frequency). This sequence change replaces lysine, which is basic and polar, with arginine, which is basic and polar, at codon 106 of the CDK4 protein (p.Lys106Arg).

NM_000075.4(CDK4):c.317A>G (p.Lys106Arg)

Gene: CDK4 (cyclin dependent kinase 4; minus strand). Cytogenetic location: 12q14.1.
Variant type: single nucleotide variant.
Coding change: c.317A>G on transcript NM_000075.4 (MANE Select); coding-DNA position 317, A replaced by G.
Protein change: p.Lys106Arg; replaces lysine 106 with arginine.
Molecular consequence: missense variant.
Genome position (GRCh38, 1-based): chr12:57,751,244, T>C on the plus strand (A>G on the coding strand, the complement: CDK4 is on the minus strand). VCF-style: chr12-57751244-T-C. GRCh37 (hg19) VCF-style: chr12-58145027-T-C.
Other names: short protein forms K106R.
Identifiers: ClinVar variation 1026483 (VCV001026483.8), dbSNP rs1955233800, ClinGen allele CA385547712.